The following is an entry in ClinVar:

NM_201253.3(CRB1):c.135C>G (p.Cys45Trp)

Gene: CRB1 (crumbs cell polarity complex component 1; plus strand). Cytogenetic location: 1q31.3.
Variant type: single nucleotide variant.
Coding change: c.135C>G on transcript NM_201253.3 (MANE Select); coding-DNA position 135, C replaced by G.
Protein change: p.Cys45Trp; replaces cysteine 45 with tryptophan.
Molecular consequence: missense variant. On other transcripts: 5 prime UTR variant (1), non-coding transcript variant (2).
Genome position (GRCh38, 1-based): chr1:197,328,486, C>G. VCF-style: chr1-197328486-C-G. GRCh37 (hg19) VCF-style: chr1-197297616-C-G.
Other names: c.135C>G, p.Cys45Trp (NM_001193640.2, NM_001257966.2); c.-73C>G (NM_001257965.2); short protein forms C45W.
Identifiers: ClinVar variation 418147 (VCV000418147.24), dbSNP rs145141811, ClinGen allele CA1311583.
Genomic context (GRCh38, chr1:197,328,486, plus strand): 5'-CTTTTGCAATAAAAACAACACCAGGTGCCTCTCAAATTCTTGCCAAAACAATTCTACATG[C>G]AAAGATTTTTCAAAAGACAATGATTGTTCTTGTTCAGACACAGCCAATAATTTGGACAAA-3'
Protein context (NP_957705.1, residues 35-55): LSNSCQNNST[Cys45Trp]KDFSKDNDCS

ClinVar aggregate classification (germline): Uncertain significance. Review status: criteria provided, multiple submitters, no conflicts (2 of 4 stars). 15 submissions from 13 submitters: Uncertain significance (9). 6 of the submissions do not count toward it. Last evaluated 2026-06-09.

Conditions:
CRB1-related disorder. Also called: CRB1-related disorders; CRB1-related condition.
Retinitis pigmentosa 12 (RP12). Also called: RP WITH OR WITHOUT PRESERVED PARAARTERIOLE RETINAL PIGMENT EPITHELIUM; RETINITIS PIGMENTOSA WITH OR WITHOUT PARAARTERIOLAR PRESERVATION OF RETINAL PIGMENT EPITHELIUM; RP WITH OR WITHOUT PPRPE. Identifiers: Orphanet 791, MedGen C1838647, MONDO:0010818, OMIM 600105.
Leber congenital amaurosis 8 (LCA8). Identifiers: Orphanet 65, MedGen C3151202, MONDO:0013453, OMIM 613835.
Retinal dystrophy. Also called: Inherited retinal dystrophy. Identifiers: Orphanet 71862, MedGen C0854723, MeSH D058499, MONDO:0019118, HP:0000556.
Leber congenital amaurosis (LCA). Also called: Leber's amaurosis. Identifiers: Orphanet 65, MedGen C0339527, MeSH D057130, MONDO:0018998.
Retinitis pigmentosa (RP). Identifiers: Orphanet 791, MedGen C0035334, MeSH D012174, MONDO:0019200, OMIM 268000. Inheritance: Autosomal dominant, autosomal recessive and X linked inheritance.
Pigmented paravenous retinochoroidal atrophy. Identifiers: Orphanet 251295, MedGen C1868310, MONDO:0008246, OMIM 172870.
Intellectual disability. Also called: Intellectual functioning disability; intellectual disabilities; Intellectual developmental disorder. Identifiers: MedGen C3714756, MeSH D008607, MONDO:0001071, HP:0001249.

Allele frequency attached by ClinVar (database versions not stated): gnomAD 0.00035; ExAC 0.00041; TOPMed 0.00041; ESP Exome Variant Server 0.00054.
gnomAD v4.1: 1,379 of 1,614,014 alleles (0.085%); highest among the groups gnomAD compares: Non-Finnish European, 0.11%; 1 homozygote.

Submissions (15):

PreventionGenetics, part of Exact Sciences
Classification: Uncertain significance for CRB1-related condition. Last evaluated: 2026-06-09. Review status: criteria provided, single submitter. Criteria: ACMG Guidelines, 2015. Collection method: clinical testing. Allele origin: germline.
Comment: The CRB1 c.135C>G variant is predicted to result in the amino acid substitution p.Cys45Trp. This variant has been reported in an individual with retinitis pigmentosa (Clark et al. 2010. PubMed ID: 20591486). This variant is reported in 0.066% of alleles in individuals of European (Non-Finnish) descent in gnomAD. At this time, the clinical significance of this variant is uncertain due to the absence of conclusive functional and genetic evidence.

Labcorp Genetics (formerly Invitae), Labcorp
Classification: Uncertain significance for Leber congenital amaurosis 8; Retinitis pigmentosa 12. Last evaluated: 2025-12-29. Review status: criteria provided, single submitter. Criteria: Invitae Variant Classification Sherloc (09022015). Collection method: clinical testing. Allele origin: germline.
Comment: This sequence change replaces cysteine, which is neutral and slightly polar, with tryptophan, which is neutral and slightly polar, at codon 45 of the CRB1 protein (p.Cys45Trp). This variant is present in population databases (rs145141811, gnomAD 0.07%). This missense change has been observed in individual(s) with retinitis pigmentosa (PMID: 20591486, 22164218, 30718709). ClinVar contains an entry for this variant (Variation ID: 418147). Invitae Evidence Modeling of protein sequence and biophysical properties (such as structural, functional, and spatial information, amino acid conservation, physicochemical variation, residue mobility, and thermodynamic stability) indicates that this missense variant is expected to disrupt CRB1 protein function with a positive predictive value of 95%. In summary, the available evidence is currently insufficient to determine the role of this variant in disease. Therefore, it has been classified as a Variant of Uncertain Significance.

Blueprint Genetics
Classification: Uncertain significance. Last evaluated: 2024-10-15. Review status: criteria provided, single submitter. Criteria: ACMG Guidelines, 2015. Collection method: clinical testing. Allele origin: germline.

Genome-Nilou Lab
Classification: Uncertain significance for Leber congenital amaurosis 8. Last evaluated: 2023-04-11. Review status: criteria provided, single submitter. Criteria: ACMG Guidelines, 2015. Collection method: clinical testing. Allele origin: germline. Affected: no.

Genome-Nilou Lab
Classification: Uncertain significance for Pigmented paravenous retinochoroidal atrophy. Last evaluated: 2023-04-11. Review status: criteria provided, single submitter. Criteria: ACMG Guidelines, 2015. Collection method: clinical testing. Allele origin: germline. Affected: no.

Genome-Nilou Lab
Classification: Uncertain significance for Retinitis pigmentosa 12. Last evaluated: 2023-04-11. Review status: criteria provided, single submitter. Criteria: ACMG Guidelines, 2015. Collection method: clinical testing. Allele origin: germline. Affected: no.

Institute of Human Genetics, Univ. Regensburg, Univ. Regensburg
Classification: Uncertain significance for Retinal dystrophy. Last evaluated: 2022-01-01. Review status: criteria provided, single submitter. Criteria: ACMG Guidelines, 2015. Collection method: clinical testing. Allele origin: germline. Affected: yes.

Illumina Laboratory Services, Illumina
Classification: Uncertain significance for Retinitis pigmentosa. Last evaluated: 2017-04-27. Review status: criteria provided, single submitter. Criteria: ICSL Variant Classification Criteria 13 December 2019. Collection method: clinical testing. Allele origin: germline.
Comment: This variant was observed as part of a predisposition screen in an ostensibly healthy population. A literature search was performed for the gene, cDNA change, and amino acid change (where applicable). Publications were found based on this search. However, the evidence from the literature, in combination with allele frequency data from public databases where available, was not sufficient to rule this variant in or out of causing disease. Therefore, this variant is classified as a variant of unknown significance.

GeneDx
Classification: Uncertain significance. Last evaluated: 2016-03-12. Review status: criteria provided, single submitter. Criteria: GeneDx Variant Classification (06012015). Collection method: clinical testing. Allele origin: germline. Affected: yes.
Comment: The C45W variant in the CRB1 gene has been reported previously in the heterozygous state in two individuals with retinitis pigmentosa in whom a second CRB1 pathogenic variant was not identified (Clark et al., 2010; Neveling et al., 2012). The C45W variant was not observed at any significant frequency in approximately 6500 individuals of European and African American ancestry in the NHLBI Exome Sequencing Project, indicating it is not a common variant in these populations. The C45W variant is a non-conservative amino acid substitution, which is likely to impact secondary protein structure as these residues differ in polarity, charge, size and/or other properties. This substitution occurs at a position that is conserved across species, and in silico analysis predicts this variant is probably damaging to the protein structure/function. We interpret C45W as a variant of uncertain significance.

Natera, Inc.
Classification: Uncertain significance for Leber congenital amaurosis. Last evaluated: 2020-09-16. Review status: no assertion criteria provided. Collection method: clinical testing. Allele origin: germline. Not counted in ClinVar's aggregate classification.

Centre de Biologie Pathologie Génétique, Centre Hospitalier Universitaire de Lille
Classification: Uncertain significance for Intellectual disability. Last evaluated: 2019-01-01. Review status: no assertion criteria provided. Collection method: clinical testing. Allele origin: unknown. Affected: yes. Not counted in ClinVar's aggregate classification.

Clinical Genetics DNA and cytogenetics Diagnostics Lab, Erasmus MC, Erasmus Medical Center
Classification: Uncertain significance. Review status: no assertion criteria provided. Collection method: clinical testing. Allele origin: germline. Affected: yes. Study: VKGL Data-share Consensus. Not counted in ClinVar's aggregate classification.

Clinical Genetics, Academic Medical Center
Classification: Uncertain significance. Review status: no assertion criteria provided. Collection method: clinical testing. Allele origin: germline. Affected: yes. Study: VKGL Data-share Consensus. Not counted in ClinVar's aggregate classification.

Joint Genome Diagnostic Labs from Nijmegen and Maastricht, Radboudumc and MUMC+
Classification: Uncertain significance. Review status: no assertion criteria provided. Collection method: clinical testing. Allele origin: germline. Affected: yes. Study: VKGL Data-share Consensus. Not counted in ClinVar's aggregate classification.

Department of Clinical Genetics, Copenhagen University Hospital, Rigshospitalet
Classification: Likely pathogenic for Retinitis pigmentosa. Last evaluated: 2018-04-01. Review status: flagged submission. Collection method: research. Allele origin: unknown. Affected: yes. Study: VeluxRD. Not counted in ClinVar's aggregate classification.
ClinVar note: Reason: Outlier claim with insufficient supporting evidence

Literature cited by the submitters: PubMed 20591486 (cited by 3 submitters); PubMed 22164218 (cited by Labcorp Genetics (formerly Invitae), Labcorp); PubMed 30718709 (cited by Labcorp Genetics (formerly Invitae), Labcorp and Department of Clinical Genetics, Copenhagen University Hospital, Rigshospitalet).